The following is an entry in ClinVar:

ClinVar aggregate classification (germline): Likely benign. Review status: criteria provided, multiple submitters, no conflicts (2 of 4 stars). 2 submissions from 2 submitters: Likely benign (2). Last evaluated 2025-02-06.

Conditions:
AFF4-related disorder. Also called: AFF4-related condition.
Cognitive impairment - coarse facies - heart defects - obesity - pulmonary involvement - short stature - skeletal dysplasia syndrome. Also called: COGNITIVE IMPAIRMENT, COARSE FACIES, HEART DEFECTS, OBESITY, PULMONARY INVOLVEMENT, SHORT STATURE, AND SKELETAL DYSPLASIA; Chops syndrome; AFF4-Related CHOPS Syndrome. Identifiers: Orphanet 444077, MedGen C4085597, MONDO:0014609, OMIM 616368.

gnomAD v4.1: 7 of 1,610,462 alleles (0.00043%); highest among the groups gnomAD compares: Non-Finnish European, 0.00051%; no homozygotes.

Submissions (2):

PreventionGenetics, part of Exact Sciences
Classification: Likely benign for AFF4-related condition. Last evaluated: 2025-02-06. Review status: criteria provided, single submitter. Criteria: ACMG Guidelines, 2015. Collection method: clinical testing. Allele origin: germline.
Comment: This variant is classified as likely benign based on ACMG/AMP sequence variant interpretation guidelines (Richards et al. 2015 PMID: 25741868, with internal and published modifications).

Labcorp Genetics (formerly Invitae), Labcorp
Classification: Likely benign for Cognitive impairment - coarse facies - heart defects - obesity - pulmonary involvement - short stature - skeletal dysplasia syndrome. Last evaluated: 2024-10-22. Review status: criteria provided, single submitter. Criteria: Invitae Variant Classification Sherloc (09022015). Collection method: clinical testing. Allele origin: germline.

NM_014423.4(AFF4):c.1062G>A (p.Gln354=)

Gene: AFF4 (ALF transcription elongation factor 4; minus strand). Cytogenetic location: 5q31.1.
Variant type: single nucleotide variant.
Coding change: c.1062G>A on transcript NM_014423.4 (MANE Select); coding-DNA position 1062, G replaced by A.
Protein change: p.Gln354=; no amino-acid change (glutamine 354 retained).
Molecular consequence: synonymous variant.
Genome position (GRCh38, 1-based): chr5:132,904,393, C>T on the plus strand (G>A on the coding strand, the complement: AFF4 is on the minus strand). VCF-style: chr5-132904393-C-T. GRCh37 (hg19) VCF-style: chr5-132240085-C-T.
Other names: c.1062G>A (NM_014423.3).
Identifiers: ClinVar variation 1153646 (VCV001153646.10), dbSNP rs764565803, ClinGen allele CA446370044.